The following is an entry in ClinVar:

ClinVar aggregate classification (germline): Uncertain significance (1 of 4 stars; one submission).

Submission:

GeneDx
Classification: Uncertain significance. Last evaluated: 2022-10-10. Review status: criteria provided, single submitter. Criteria: GeneDx Variant Classification Process June 2021. Collection method: clinical testing. Allele origin: germline. Affected: yes.
Comment: Not observed at significant frequency in large population cohorts (gnomAD); In silico analysis supports that this missense variant does not alter protein structure/function; Has not been previously published as pathogenic or benign to our knowledge

NM_018082.6(POLR3B):c.1255A>C (p.Ile419Leu)

Gene: POLR3B (RNA polymerase III subunit B; plus strand). Cytogenetic location: 12q23.3.
Variant type: single nucleotide variant.
Coding change: c.1255A>C on transcript NM_018082.6 (MANE Select); coding-DNA position 1255, A replaced by C.
Protein change: p.Ile419Leu; replaces isoleucine 419 with leucine.
Molecular consequence: missense variant.
Genome position (GRCh38, 1-based): chr12:106,427,350, A>C. VCF-style: chr12-106427350-A-C. GRCh37 (hg19) VCF-style: chr12-106821128-A-C.
Other names: c.1081A>C, p.Ile361Leu (NM_001160708.2); short protein forms I361L, I419L.
Identifiers: ClinVar variation 2497957 (VCV002497957.1), dbSNP rs768889169, ClinGen allele CA386388675.